The following is an entry in ClinVar:

ClinVar aggregate classification (germline): Uncertain significance (1 of 4 stars; one submission).

Allele frequency attached by ClinVar (database versions not stated): TOPMed 0.00005; gnomAD 0.00011; gnomAD exomes 0.00012; ExAC 0.00026; 1000 Genomes Project 30x 0.00047; 1000 Genomes Project 0.00060.
gnomAD v4.1: 196 of 1,613,418 alleles (0.012%); highest among the groups gnomAD compares: South Asian, 0.15%; 1 homozygote.

Submission:

Labcorp Genetics (formerly Invitae), Labcorp
Classification: Uncertain significance. Last evaluated: 2022-05-03. Review status: criteria provided, single submitter. Criteria: Invitae Variant Classification Sherloc (09022015). Collection method: clinical testing. Allele origin: germline.
Comment: This sequence change replaces glycine, which is neutral and non-polar, with arginine, which is basic and polar, at codon 222 of the DNASE2 protein (p.Gly222Arg). This variant is present in population databases (rs565891293, gnomAD 0.1%). This variant has not been reported in the literature in individuals affected with DNASE2-related conditions. Algorithms developed to predict the effect of missense changes on protein structure and function (SIFT, PolyPhen-2, Align-GVGD) all suggest that this variant is likely to be disruptive. Algorithms developed to predict the effect of sequence changes on RNA splicing suggest that this variant may create or strengthen a splice site. In summary, the available evidence is currently insufficient to determine the role of this variant in disease. Therefore, it has been classified as a Variant of Uncertain Significance.

NM_001375.3(DNASE2):c.664G>A (p.Gly222Arg)

Gene: DNASE2 (deoxyribonuclease 2, lysosomal; minus strand). Cytogenetic location: 19p13.13.
Variant type: single nucleotide variant.
Coding change: c.664G>A on transcript NM_001375.3 (MANE Select); coding-DNA position 664, G replaced by A.
Protein change: p.Gly222Arg; replaces glycine 222 with arginine.
Molecular consequence: missense variant.
Genome position (GRCh38, 1-based): chr19:12,878,427, C>T on the plus strand (G>A on the coding strand, the complement: DNASE2 is on the minus strand). VCF-style: chr19-12878427-C-T. GRCh37 (hg19) VCF-style: chr19-12989241-C-T.
Other names: short protein forms G222R.
Identifiers: ClinVar variation 2052625 (VCV002052625.1), dbSNP rs565891293, ClinGen allele CA9233724.